The following is an entry in ClinVar:

ClinVar aggregate classification (germline): Uncertain significance (1 of 4 stars; one submission).

gnomAD v4.1: 4 of 1,610,850 alleles (0.00025%); highest among the groups gnomAD compares: African/African-American, 0.004%; no homozygotes.

Submission:

Labcorp Genetics (formerly Invitae), Labcorp
Classification: Uncertain significance. Last evaluated: 2025-10-09. Review status: criteria provided, single submitter. Criteria: Invitae Variant Classification Sherloc (09022015). Collection method: clinical testing. Allele origin: germline.
Comment: This sequence change replaces alanine, which is neutral and non-polar, with threonine, which is neutral and polar, at codon 1303 of the DCHS1 protein (p.Ala1303Thr). This variant is present in population databases (rs771547787, gnomAD 0.002%). This variant has not been reported in the literature in individuals affected with DCHS1-related conditions. An algorithm developed to predict the effect of missense changes on protein structure and function outputs the following: PolyPhen-2: "Benign". The threonine amino acid residue is found in multiple mammalian species, which suggests that this missense change does not adversely affect protein function. In summary, the available evidence is currently insufficient to determine the role of this variant in disease. Therefore, it has been classified as a Variant of Uncertain Significance.

NM_003737.4(DCHS1):c.3907G>A (p.Ala1303Thr)

Gene: DCHS1 (dachsous cadherin-related 1; minus strand). Cytogenetic location: 11p15.4.
Variant type: single nucleotide variant.
Coding change: c.3907G>A on transcript NM_003737.4 (MANE Select); coding-DNA position 3907, G replaced by A.
Protein change: p.Ala1303Thr; replaces alanine 1303 with threonine.
Molecular consequence: missense variant.
Genome position (GRCh38, 1-based): chr11:6,631,076, C>T on the plus strand (G>A on the coding strand, the complement: DCHS1 is on the minus strand). VCF-style: chr11-6631076-C-T. GRCh37 (hg19) VCF-style: chr11-6652307-C-T.
Other names: short protein forms A1303T.
Identifiers: ClinVar variation 4746630 (VCV004746630.1).